The following is an entry in ClinVar:

NM_001369268.1(ACAN):c.1673A>G (p.Tyr558Cys)

Gene: ACAN (aggrecan; plus strand). Cytogenetic location: 15q26.1.
Variant type: single nucleotide variant.
Coding change: c.1673A>G on transcript NM_001369268.1 (MANE Select); coding-DNA position 1673, A replaced by G.
Protein change: p.Tyr558Cys; replaces tyrosine 558 with cysteine.
Molecular consequence: missense variant.
Genome position (GRCh38, 1-based): chr15:88,847,979, A>G. VCF-style: chr15-88847979-A-G. GRCh37 (hg19) VCF-style: chr15-89391210-A-G.
Other names: c.1673A>G, p.Tyr558Cys (NM_001135.4, NM_001411096.1, NM_001411097.1 and 1 more transcripts); short protein forms Y558C.
Identifiers: ClinVar variation 1943249 (VCV001943249.5), dbSNP rs532546900, ClinGen allele CA7719633.

ClinVar aggregate classification (germline): Uncertain significance (1 of 4 stars; one submission).

Allele frequency attached by ClinVar (database versions not stated): gnomAD exomes below 0.00001; TOPMed below 0.00001; ExAC 0.00001; gnomAD 0.00001; 1000 Genomes Project 30x 0.00016; 1000 Genomes Project 0.00020.
gnomAD v4.1: 4 of 1,614,008 alleles (0.00025%); highest among the groups gnomAD compares: Admixed American, 0.005%; no homozygotes.

Submission:

Labcorp Genetics (formerly Invitae), Labcorp
Classification: Uncertain significance. Last evaluated: 2024-06-26. Review status: criteria provided, single submitter. Criteria: Invitae Variant Classification Sherloc (09022015). Collection method: clinical testing. Allele origin: germline.
Comment: This sequence change replaces tyrosine, which is neutral and polar, with cysteine, which is neutral and slightly polar, at codon 558 of the ACAN protein (p.Tyr558Cys). This variant is present in population databases (rs532546900, gnomAD 0.0009%). This variant has not been reported in the literature in individuals affected with ACAN-related conditions. ClinVar contains an entry for this variant (Variation ID: 1943249). Advanced modeling of protein sequence and biophysical properties (such as structural, functional, and spatial information, amino acid conservation, physicochemical variation, residue mobility, and thermodynamic stability) performed at Invitae indicates that this missense variant is not expected to disrupt ACAN protein function with a negative predictive value of 80%. In summary, the available evidence is currently insufficient to determine the role of this variant in disease. Therefore, it has been classified as a Variant of Uncertain Significance.